The following is an entry in ClinVar:

ClinVar aggregate classification (germline): Uncertain significance (1 of 4 stars; one submission).

gnomAD v4.1: 1 of 1,614,160 alleles (0.000062%); no homozygotes.

Submission:

Labcorp Genetics (formerly Invitae), Labcorp
Classification: Uncertain significance. Last evaluated: 2025-06-20. Review status: criteria provided, single submitter. Criteria: Invitae Variant Classification Sherloc (09022015). Collection method: clinical testing. Allele origin: germline.
Comment: This sequence change replaces arginine, which is basic and polar, with glycine, which is neutral and non-polar, at codon 726 of the TRPV6 protein (p.Arg726Gly). This variant is present in population databases (rs779820490, gnomAD 0.003%). This variant has not been reported in the literature in individuals affected with TRPV6-related conditions. Experimental studies and prediction algorithms are not available or were not evaluated, and the functional significance of this variant is currently unknown. In summary, the available evidence is currently insufficient to determine the role of this variant in disease. Therefore, it has been classified as a Variant of Uncertain Significance.

NM_018646.6(TRPV6):c.2176C>G (p.Arg726Gly)

Gene: TRPV6 (transient receptor potential cation channel subfamily V member 6; minus strand). Cytogenetic location: 7q34.
Variant type: single nucleotide variant.
Coding change: c.2176C>G on transcript NM_018646.6 (MANE Select); coding-DNA position 2176, C replaced by G.
Protein change: p.Arg726Gly; replaces arginine 726 with glycine.
Molecular consequence: missense variant.
Genome position (GRCh38, 1-based): chr7:142,871,829, G>C on the plus strand (C>G on the coding strand, the complement: TRPV6 is on the minus strand). VCF-style: chr7-142871829-G-C. GRCh37 (hg19) VCF-style: chr7-142569582-G-C.
Other names: short protein forms R726G.
Identifiers: ClinVar variation 4753594 (VCV004753594.1).